The following is an entry in ClinVar:

NM_000352.6(ABCC8):c.2773G>C (p.Glu925Gln)

Gene: ABCC8 (ATP binding cassette subfamily C member 8; minus strand). Cytogenetic location: 11p15.1.
Variant type: single nucleotide variant.
Coding change: c.2773G>C on transcript NM_000352.6 (MANE Select); coding-DNA position 2773, G replaced by C.
Protein change: p.Glu925Gln; replaces glutamic acid 925 with glutamine.
Molecular consequence: missense variant. On other transcripts: non-coding transcript variant (1).
Genome position (GRCh38, 1-based): chr11:17,408,439, C>G on the plus strand (G>C on the coding strand, the complement: ABCC8 is on the minus strand). VCF-style: chr11-17408439-C-G. GRCh37 (hg19) VCF-style: chr11-17429986-C-G.
Other names: c.2776G>C, p.Glu926Gln (NM_001287174.3); c.2839G>C, p.Glu947Gln (NM_001351295.2); c.2773G>C, p.Glu925Gln (NM_001351296.2); c.2770G>C, p.Glu924Gln (NM_001351297.2); short protein forms E926Q, E925Q, E947Q, E924Q.
Identifiers: ClinVar variation 1920702 (VCV001920702.4), dbSNP rs372968932, ClinGen allele CA5903029.
Genomic context (GRCh38, chr11:17,408,439, plus strand): 5'-TGGATATACCCACCTTCTCCAGCTCTTGGTCCTGTCGGTTCATGAGGGTCTTCCAGTGCT[C>G]AAAGAGCTGGCATTCAGACCTCTGGAAGTCCTTGAGGGTACCCTCCCTCTGGATGGTGCC-3'
Protein context (NP_000343.2, residues 915-935): DFQRSECQLF[Glu925Gln]HWKTLMNRQD

ClinVar aggregate classification (germline): Uncertain significance. Review status: criteria provided, multiple submitters, no conflicts (2 of 4 stars). 2 submissions from 2 submitters: Uncertain significance (2). Last evaluated 2025-12-15.

Allele frequency attached by ClinVar (database versions not stated): ExAC 0.00002; gnomAD 0.00003; TOPMed 0.00003; ESP Exome Variant Server 0.00008; gnomAD exomes 0.00008.
gnomAD v4.1: 116 of 1,613,708 alleles (0.0072%); highest among the groups gnomAD compares: Non-Finnish European, 0.0091%; no homozygotes.

Submissions (2):

Labcorp Genetics (formerly Invitae), Labcorp
Classification: Uncertain significance. Last evaluated: 2025-12-15. Review status: criteria provided, single submitter. Criteria: Invitae Variant Classification Sherloc (09022015). Collection method: clinical testing. Allele origin: germline.
Comment: This sequence change replaces glutamic acid, which is acidic and polar, with glutamine, which is neutral and polar, at codon 925 of the ABCC8 protein (p.Glu925Gln). This variant is present in population databases (rs372968932, gnomAD 0.01%). This variant has not been reported in the literature in individuals affected with ABCC8-related conditions. ClinVar contains an entry for this variant (Variation ID: 1920702). Invitae Evidence Modeling of protein sequence and biophysical properties (such as structural, functional, and spatial information, amino acid conservation, physicochemical variation, residue mobility, and thermodynamic stability) has been performed for this missense variant. However, the output from this modeling did not meet the statistical confidence thresholds required to predict the impact of this variant on ABCC8 protein function. In summary, the available evidence is currently insufficient to determine the role of this variant in disease. Therefore, it has been classified as a Variant of Uncertain Significance.

Women's Health and Genetics/Laboratory Corporation of America, LabCorp
Classification: Uncertain significance. Last evaluated: 2024-08-02. Review status: criteria provided, single submitter. Criteria: LabCorp Variant Classification Summary - May 2015. Collection method: clinical testing. Allele origin: germline.
Comment: Variant summary: ABCC8 c.2773G>C (p.Glu925Gln) results in a conservative amino acid change located in the ABC transporter-like, ATP-binding domain (IPRPS50893) of the encoded protein sequence. Four of five in-silico tools predict a benign effect of the variant on protein function. The variant allele was found at a frequency of 6e-05 in 251436 control chromosomes. This frequency is not significantly higher than estimated for a pathogenic variant in ABCC8 causing Familial Hyperinsulinism (6e-05 vs 0.0034), allowing no conclusion about variant significance. To our knowledge, no occurrence of c.2773G>C in individuals affected with Familial Hyperinsulinism and no experimental evidence demonstrating its impact on protein function have been reported. ClinVar contains an entry for this variant (Variation ID: 1920702). Based on the evidence outlined above, the variant was classified as uncertain significance.